The following is an entry in ClinVar:

ClinVar aggregate classification (germline): Uncertain significance. Review status: criteria provided, multiple submitters, no conflicts (2 of 4 stars). 2 submissions from 2 submitters: Uncertain significance (2). Last evaluated 2024-05-22.

Allele frequency attached by ClinVar (database versions not stated): gnomAD exomes 0.00001 and 0.00002; TOPMed 0.00002.
gnomAD v4.1: 14 of 1,599,546 alleles (0.00088%); highest among the groups gnomAD compares: East Asian, 0.0045%; no homozygotes.

Submissions (2):

Labcorp Genetics (formerly Invitae), Labcorp
Classification: Uncertain significance. Last evaluated: 2024-05-22. Review status: criteria provided, single submitter. Criteria: Invitae Variant Classification Sherloc (09022015). Collection method: clinical testing. Allele origin: germline.
Comment: This sequence change replaces alanine, which is neutral and non-polar, with threonine, which is neutral and polar, at codon 226 of the CHD8 protein (p.Ala226Thr). This variant is present in population databases (rs750335653, gnomAD 0.006%). This variant has not been reported in the literature in individuals affected with CHD8-related conditions. ClinVar contains an entry for this variant (Variation ID: 1329589). Algorithms developed to predict the effect of missense changes on protein structure and function output the following: SIFT: "Not Available"; PolyPhen-2: "Benign"; Align-GVGD: "Not Available". The threonine amino acid residue is found in multiple mammalian species, which suggests that this missense change does not adversely affect protein function. In summary, the available evidence is currently insufficient to determine the role of this variant in disease. Therefore, it has been classified as a Variant of Uncertain Significance.

GeneDx
Classification: Uncertain significance. Last evaluated: 2021-06-22. Review status: criteria provided, single submitter. Criteria: GeneDx Variant Classification Process June 2021. Collection method: clinical testing. Allele origin: germline. Affected: yes.
Comment: Has not been previously published as pathogenic or benign to our knowledge; In silico analysis supports that this missense variant does not alter protein structure/function; This variant is associated with the following publications: (PMID: 27535533)

NM_001170629.2(CHD8):c.676G>A (p.Ala226Thr)

Gene: CHD8 (chromodomain helicase DNA binding protein 8; minus strand). Cytogenetic location: 14q11.2.
Variant type: single nucleotide variant.
Coding change: c.676G>A on transcript NM_001170629.2 (MANE Select); coding-DNA position 676, G replaced by A.
Protein change: p.Ala226Thr; replaces alanine 226 with threonine.
Molecular consequence: missense variant. On other transcripts: intron variant (1).
Genome position (GRCh38, 1-based): chr14:21,430,968, C>T on the plus strand (G>A on the coding strand, the complement: CHD8 is on the minus strand). VCF-style: chr14-21430968-C-T. GRCh37 (hg19) VCF-style: chr14-21899127-C-T.
Other names: c.6+843G>A (NM_020920.4); short protein forms A226T.
Identifiers: ClinVar variation 1329589 (VCV001329589.5), dbSNP rs750335653, ClinGen allele CA7091920.